The following is an entry in ClinVar:

ClinVar aggregate classification (germline): Likely benign. Review status: criteria provided, multiple submitters, no conflicts (2 of 4 stars). 4 submissions from 4 submitters: Likely benign (3). 1 of the submissions does not count toward it. Last evaluated 2025-02-14.

Conditions:
Hereditary hyperferritinemia with congenital cataracts. Also called: Hereditary hyperferritinemia cataract syndrome; Bonneau-Beaumont syndrome; HYPERFERRITINEMIA WITH OR WITHOUT CATARACT. Identifiers: Orphanet 163, MedGen C1833213, MONDO:0010952, OMIM 600886.
Neuroferritinopathy (NBIA3). Also called: NEURODEGENERATION WITH BRAIN IRON ACCUMULATION 3; BASAL GANGLIA DISEASE, ADULT-ONSET. Identifiers: Orphanet 157846, MedGen C1853578, MONDO:0011638, OMIM 606159.
FTL-related disorder. Also called: FTL-related condition.

Allele frequency attached by ClinVar (database versions not stated): gnomAD exomes below 0.00001.

Submissions (4):

Mayo Clinic Laboratories, Mayo Clinic
Classification: Likely benign. Last evaluated: 2025-02-14. Review status: criteria provided, single submitter. Criteria: ACMG Guidelines, 2015. Collection method: clinical testing. Allele origin: germline. Observed: 1 variant allele.
Comment: BP4, BP7

Labcorp Genetics (formerly Invitae), Labcorp
Classification: Likely benign for Neuroferritinopathy; Hereditary hyperferritinemia with congenital cataracts. Last evaluated: 2025-02-03. Review status: criteria provided, single submitter. Criteria: Invitae Variant Classification Sherloc (09022015). Collection method: clinical testing. Allele origin: germline.

Blueprint Genetics
Classification: Likely benign. Last evaluated: 2023-12-01. Review status: criteria provided, single submitter. Criteria: ACMG Guidelines, 2015. Collection method: clinical testing. Allele origin: germline.

PreventionGenetics, part of Exact Sciences
Classification: Likely benign for FTL-related condition. Last evaluated: 2024-07-28. Review status: no assertion criteria provided. Collection method: clinical testing. Allele origin: germline. Not counted in ClinVar's aggregate classification.
Comment: This variant is classified as likely benign based on ACMG/AMP sequence variant interpretation guidelines (Richards et al. 2015 PMID: 25741868, with internal and published modifications).

NM_000146.4(FTL):c.48C>G (p.Ala16=)

Genes: FTL (ferritin light chain; plus strand), LOC130064892 (ATAC-STARR-seq lymphoblastoid active region 14919; plus strand). Cytogenetic location: 19q13.33.
Variant type: single nucleotide variant.
Coding change: c.48C>G on transcript NM_000146.4 (MANE Select); coding-DNA position 48, C replaced by G.
Protein change: p.Ala16=; no amino-acid change (alanine 16 retained).
Molecular consequence: synonymous variant.
Genome position (GRCh38, 1-based): chr19:48,965,555, C>G. VCF-style: chr19-48965555-C-G. GRCh37 (hg19) VCF-style: chr19-49468812-C-G.
Other names: p.Ala16=.
Identifiers: ClinVar variation 3043681 (VCV003043681.6), dbSNP rs11553246, ClinGen allele CA508276570.